The following is an entry in ClinVar:

NM_006939.4(SOS2):c.1521G>T (p.Glu507Asp)

Gene: SOS2 (SOS Ras/Rho guanine nucleotide exchange factor 2; minus strand). Cytogenetic location: 14q21.3.
Variant type: single nucleotide variant.
Coding change: c.1521G>T on transcript NM_006939.4 (MANE Select); coding-DNA position 1521, G replaced by T.
Protein change: p.Glu507Asp; replaces glutamic acid 507 with aspartic acid.
Molecular consequence: missense variant.
Genome position (GRCh38, 1-based): chr14:50,159,762, C>A on the plus strand (G>T on the coding strand, the complement: SOS2 is on the minus strand). VCF-style: chr14-50159762-C-A. GRCh37 (hg19) VCF-style: chr14-50626480-C-A.
Other names: c.1521G>T (NM_006939.3); short protein forms E507D.
Identifiers: ClinVar variation 542411 (VCV000542411.21), dbSNP rs141604342, ClinGen allele CA7177271.

ClinVar aggregate classification (germline): Benign/Likely benign. Review status: criteria provided, multiple submitters, no conflicts (2 of 4 stars). 8 submissions from 8 submitters: Benign (2); Likely benign (5). 1 of the submissions does not count toward it. Last evaluated 2026-02-16.

Conditions:
SOS2-related disorder. Also called: SOS2-related condition.
Cardiovascular phenotype. Identifiers: MedGen CN230736.
Noonan syndrome 9 (NS9). Identifiers: Orphanet 648, MedGen C4225282, MONDO:0014691, OMIM 616559.

Allele frequency attached by ClinVar (database versions not stated): gnomAD exomes 0.00004 and 0.00012; ExAC 0.00017; ESP Exome Variant Server 0.00031; TOPMed 0.00037; gnomAD 0.00040 and 0.00041; 1000 Genomes Project 0.00120; 1000 Genomes Project 30x 0.00156.
gnomAD v4.1: 118 of 1,613,758 alleles (0.0073%); highest among the groups gnomAD compares: African/African-American, 0.13%; 1 homozygote.

Submissions (8):

Ambry Genetics
Classification: Benign for Cardiovascular phenotype. Last evaluated: 2026-02-16. Review status: criteria provided, single submitter. Criteria: Ambry Variant Classification Scheme 2023. Collection method: clinical testing. Allele origin: germline.

Labcorp Genetics (formerly Invitae), Labcorp
Classification: Likely benign for Noonan syndrome 9. Last evaluated: 2026-01-26. Review status: criteria provided, single submitter. Criteria: Invitae Variant Classification Sherloc (09022015). Collection method: clinical testing. Allele origin: germline.

Women's Health and Genetics/Laboratory Corporation of America, LabCorp
Classification: Likely benign. Last evaluated: 2025-09-02. Review status: criteria provided, single submitter. Criteria: LabCorp Variant Classification Summary - May 2015. Collection method: clinical testing. Allele origin: germline.

Blueprint Genetics
Classification: Likely benign. Last evaluated: 2024-07-02. Review status: criteria provided, single submitter. Criteria: ACMG Guidelines, 2015. Collection method: clinical testing. Allele origin: germline.

Fulgent Genetics
Classification: Likely benign for Noonan syndrome 9. Last evaluated: 2021-11-28. Review status: criteria provided, single submitter. Criteria: ACMG Guidelines, 2015. Collection method: clinical testing. Allele origin: unknown.

GeneDx
Classification: Benign. Last evaluated: 2019-01-28. Review status: criteria provided, single submitter. Criteria: GeneDx Variant Classification Process June 2021. Collection method: clinical testing. Allele origin: germline. Affected: yes.

Genome-Nilou Lab
Classification: Likely benign for Noonan syndrome 9. Review status: criteria provided, single submitter. Criteria: ACMG Guidelines, 2015. Collection method: clinical testing. Allele origin: germline.

PreventionGenetics, part of Exact Sciences
Classification: Likely benign for SOS2-related condition. Last evaluated: 2019-10-23. Review status: no assertion criteria provided. Collection method: clinical testing. Allele origin: germline. Not counted in ClinVar's aggregate classification.
Comment: This variant is classified as likely benign based on ACMG/AMP sequence variant interpretation guidelines (Richards et al. 2015 PMID: 25741868, with internal and published modifications).